The following is an entry in ClinVar:

NM_001267550.2(TTN):c.32332del (p.Tyr10778fs)

Gene: TTN (titin; minus strand). Cytogenetic location: 2q31.2.
Variant type: Deletion.
Coding change: c.32332del on transcript NM_001267550.2 (MANE Select); coding-DNA position 32332, one base deleted (T; older notation c.32332delT).
Protein change: p.Tyr10778fs; shifts the reading frame from tyrosine 10778.
Molecular consequence: frameshift variant. On other transcripts: intron variant (3).
Genome position (GRCh38, 1-based): chr2:178,685,578, A deleted on the plus strand (T on the coding strand, the reverse complement: TTN is on the minus strand). VCF-style (leftmost placement, unchanged base first): chr2-178685577-TA-T. GRCh37 (hg19) VCF-style: chr2-179550304-TA-T.
Other names: c.31381del, p.Tyr10461fs (NM_001256850.1); c.28600del, p.Tyr9534fs (NM_133378.4); c.13283-43261del (NM_003319.4); c.13859-43261del (NM_133437.4); c.13658-43261del (NM_133432.3); short protein forms Y10778fs, Y9534fs, Y10461fs.
Identifiers: ClinVar variation 934642 (VCV000934642.10), dbSNP rs2070642658, ClinGen allele CA1139655652.
Genomic context (GRCh38, chr2:178,685,577, plus strand): 5'-CCTTCAGCTGGCTCAGCTTCCACTCTCTTAGAAATAATGTGCAGCTTTTCTTCCACAACA[TA>T]TTCCTCAGGCTCTTCCATCACTTTAAAGACAGCAGTTTTAAAGAAGATAAATTACAGTGT-3'

ClinVar aggregate classification (germline): Likely pathogenic (1 of 4 stars; one submission).

Conditions:
Dilated cardiomyopathy 1G (CMD1G). Identifiers: Orphanet 154, MedGen C1858763, MONDO:0011400, OMIM 604145.
Autosomal recessive limb-girdle muscular dystrophy type 2J (LGMDR10). Also called: Limb-girdle muscular dystrophy, type 2J; MUSCULAR DYSTROPHY, LIMB-GIRDLE, AUTOSOMAL RECESSIVE 10. Identifiers: Orphanet 140922, MedGen C1837342, MONDO:0012127, OMIM 608807.

Allele frequency attached by ClinVar (database versions not stated): gnomAD exomes below 0.00001.

Submission:

Labcorp Genetics (formerly Invitae), Labcorp
Classification: Likely pathogenic for Dilated cardiomyopathy 1G; Autosomal recessive limb-girdle muscular dystrophy type 2J. Last evaluated: 2024-10-18. Review status: criteria provided, single submitter. Criteria: Invitae Variant Classification Sherloc (09022015). Collection method: clinical testing. Allele origin: germline.
Comment: This sequence change creates a premature translational stop signal (p.Tyr10778Metfs*21) in the TTN gene. While this is not anticipated to result in nonsense mediated decay, it is expected to create a truncated TTN protein. This variant is not present in population databases (gnomAD no frequency). This variant has not been reported in the literature in individuals affected with TTN-related conditions. ClinVar contains an entry for this variant (Variation ID: 934642). This variant is located in the I band of TTN (PMID: 25589632). Truncating variants in this region have been reported in individuals affected with autosomal recessive centronuclear myopathy (PMID: 23975875, internal data). Truncating variants in this region have also been identified in individuals affected with autosomal dominant dilated cardiomyopathy and/or cardio-related conditions (PMID: 27869827, 32964742, internal data). In summary, the currently available evidence indicates that the variant is pathogenic, but additional data are needed to prove that conclusively. Therefore, this variant has been classified as Likely Pathogenic.

Literature cited by the submitters: PubMed 25589632; PubMed 23975875; PubMed 27869827; PubMed 32964742.